The following is an entry in ClinVar:

ClinVar aggregate classification (germline): Conflicting classifications of pathogenicity. Review status: criteria provided, conflicting classifications (1 of 4 stars). 5 submissions from 5 submitters: Uncertain significance (1); Likely benign (3). 1 of the submissions does not count toward it. Last evaluated 2025-10-07.

Conditions:
Retinitis pigmentosa 12 (RP12). Also called: RP WITH OR WITHOUT PRESERVED PARAARTERIOLE RETINAL PIGMENT EPITHELIUM; RETINITIS PIGMENTOSA WITH OR WITHOUT PARAARTERIOLAR PRESERVATION OF RETINAL PIGMENT EPITHELIUM; RP WITH OR WITHOUT PPRPE. Identifiers: Orphanet 791, MedGen C1838647, MONDO:0010818, OMIM 600105.
Leber congenital amaurosis 8 (LCA8). Identifiers: Orphanet 65, MedGen C3151202, MONDO:0013453, OMIM 613835.
Leber congenital amaurosis (LCA). Also called: Leber's amaurosis. Identifiers: Orphanet 65, MedGen C0339527, MeSH D057130, MONDO:0018998.
CRB1-related disorder. Also called: CRB1-related disorders; CRB1-related condition.
Inborn genetic diseases. Identifiers: MedGen C0950123, MeSH D030342.

Allele frequency attached by ClinVar (database versions not stated): gnomAD 0.00001 and 0.00003; TOPMed 0.00002; gnomAD exomes 0.00007 and 0.00017; 1000 Genomes Project 30x 0.00016; ExAC 0.00019; 1000 Genomes Project 0.00020.
gnomAD v4.1: 110 of 1,613,996 alleles (0.0068%); highest among the groups gnomAD compares: South Asian, 0.11%; no homozygotes.

Submissions (5):

Labcorp Genetics (formerly Invitae), Labcorp
Classification: Likely benign for Leber congenital amaurosis 8; Retinitis pigmentosa 12. Last evaluated: 2025-10-07. Review status: criteria provided, single submitter. Criteria: Invitae Variant Classification Sherloc (09022015). Collection method: clinical testing. Allele origin: germline.

PreventionGenetics, part of Exact Sciences
Classification: Uncertain significance for CRB1-related condition. Last evaluated: 2025-08-21. Review status: criteria provided, single submitter. Criteria: ACMG Guidelines, 2015. Collection method: clinical testing. Allele origin: germline.
Comment: The CRB1 c.2563G>A variant is predicted to result in the amino acid substitution p.Val855Ile. To our knowledge, this variant has not been reported in the literature. This variant is present in 0.13% of alleles in individuals of South Asian descent in gnomAD, which may be too common to be an unreported cause of disease. Although we suspect that this variant may be benign, at this time, the clinical significance of this variant is uncertain due to the absence of conclusive functional and genetic evidence.

Blueprint Genetics
Classification: Likely benign. Last evaluated: 2024-09-06. Review status: criteria provided, single submitter. Criteria: ACMG Guidelines, 2015. Collection method: clinical testing. Allele origin: germline.

Ambry Genetics
Classification: Likely benign for Inborn genetic diseases. Last evaluated: 2023-09-23. Review status: criteria provided, single submitter. Criteria: Ambry Variant Classification Scheme 2023. Collection method: clinical testing. Allele origin: germline.

Natera, Inc.
Classification: Uncertain significance for Leber congenital amaurosis. Last evaluated: 2020-03-04. Review status: no assertion criteria provided. Collection method: clinical testing. Allele origin: germline. Not counted in ClinVar's aggregate classification.

NM_201253.3(CRB1):c.2563G>A (p.Val855Ile)

Gene: CRB1 (crumbs cell polarity complex component 1; plus strand). Cytogenetic location: 1q31.3.
Variant type: single nucleotide variant.
Coding change: c.2563G>A on transcript NM_201253.3 (MANE Select); coding-DNA position 2563, G replaced by A.
Protein change: p.Val855Ile; replaces valine 855 with isoleucine.
Molecular consequence: missense variant. On other transcripts: non-coding transcript variant (2), intron variant (1).
Genome position (GRCh38, 1-based): chr1:197,427,888, G>A. VCF-style: chr1-197427888-G-A. GRCh37 (hg19) VCF-style: chr1-197397018-G-A.
Other names: c.2128+5932G>A (NM_001257966.2); c.2227G>A, p.Val743Ile (NM_001193640.2); c.2356G>A, p.Val786Ile (NM_001257965.2); short protein forms V743I, V855I, V786I.
Identifiers: ClinVar variation 846967 (VCV000846967.13), dbSNP rs557930078, ClinGen allele CA1312142.